The following is an entry in ClinVar:

NM_006230.4(POLD2):c.541C>A (p.Leu181Ile)

Gene: POLD2 (DNA polymerase delta 2, accessory subunit; minus strand). Cytogenetic location: 7p13.
Variant type: single nucleotide variant.
Coding change: c.541C>A on transcript NM_006230.4 (MANE Select); coding-DNA position 541, C replaced by A.
Protein change: p.Leu181Ile; replaces leucine 181 with isoleucine.
Molecular consequence: missense variant.
Genome position (GRCh38, 1-based): chr7:44,117,173, G>T on the plus strand (C>A on the coding strand, the complement: POLD2 is on the minus strand). VCF-style: chr7-44117173-G-T. GRCh37 (hg19) VCF-style: chr7-44156772-G-T.
Other names: c.541C>A, p.Leu181Ile (NM_001127218.3, NM_001256879.2); short protein forms L181I.
Identifiers: ClinVar variation 2899393 (VCV002899393.3), dbSNP rs2096241343, ClinGen allele CA367384765.

ClinVar aggregate classification (germline): Uncertain significance (1 of 4 stars; one submission).

Allele frequency attached by ClinVar (database versions not stated): TOPMed below 0.00001.

Submission:

Labcorp Genetics (formerly Invitae), Labcorp
Classification: Uncertain significance. Last evaluated: 2024-01-25. Review status: criteria provided, single submitter. Criteria: Invitae Variant Classification Sherloc (09022015). Collection method: clinical testing. Allele origin: germline.
Comment: This sequence change replaces leucine, which is neutral and non-polar, with isoleucine, which is neutral and non-polar, at codon 216 of the POLD2 protein (p.Leu216Ile). This variant is not present in population databases (gnomAD no frequency). This variant has not been reported in the literature in individuals affected with POLD2-related conditions. Experimental studies and prediction algorithms are not available or were not evaluated, and the functional significance of this variant is currently unknown. In summary, the available evidence is currently insufficient to determine the role of this variant in disease. Therefore, it has been classified as a Variant of Uncertain Significance.